The following is an entry in ClinVar:

NM_000257.4(MYH7):c.2722C>G (p.Leu908Val)

Gene: MYH7 (myosin heavy chain 7; minus strand). Cytogenetic location: 14q11.2.
Variant type: single nucleotide variant.
Coding change: c.2722C>G on transcript NM_000257.4 (MANE Select); coding-DNA position 2722, C replaced by G.
Protein change: p.Leu908Val; replaces leucine 908 with valine.
Molecular consequence: missense variant.
Genome position (GRCh38, 1-based): chr14:23,424,107, G>C on the plus strand (C>G on the coding strand, the complement: MYH7 is on the minus strand). VCF-style: chr14-23424107-G-C. GRCh37 (hg19) VCF-style: chr14-23893316-G-C.
Other names: p.L908V:CTG>GTG; NM_000257.3(MYH7):c.2722C>G; short protein forms L908V.
Identifiers: ClinVar variation 14097 (VCV000014097.42), dbSNP rs121913631, ClinGen allele CA012953.
Genomic context (GRCh38, chr14:23,424,107, plus strand): 5'-CCTCCAGCCTCTCGTTCATCTCCTTCACCTTGGCCTCCAGCTGAATCTTGTTTTTGATCA[G>C]CTGATCACAGCGCTCCTCAGCATCTGCCAGGTTGTCTTGTTCCTGAAGGTGAGGAACAGA-3'
Protein context (NP_000248.2, residues 898-918): LADAEERCDQ[Leu908Val]IKNKIQLEAK

ClinVar aggregate classification (germline): Pathogenic. Review status: reviewed by expert panel (3 of 4 stars). 17 submissions from 17 submitters: Pathogenic (1). 16 of the submissions do not count toward it. Last evaluated 2016-12-15.

Conditions:
MYH7-related disorder. Also called: MYH7-related condition; MYH7-related disease; MYH7-related disorders.
Cardiovascular phenotype. Identifiers: MedGen CN230736.
Cardiomyopathy (CMYO). Also called: Cardiomyopathies. Identifiers: Orphanet 167848, MedGen C0878544, MONDO:0004994, HP:0001638. Inheritance: Various modes of inheritance.
Hypertrophic cardiomyopathy 1 (CMH1). Also called: Familial hypertrophic cardiomyopathy 1; MYH7-Related Familial Hypertrophic Cardiomyopathy. Identifiers: MedGen C3495498, MONDO:0008647, OMIM 192600.
Primary familial hypertrophic cardiomyopathy (HCM). Identifiers: Orphanet 99739, MedGen C0949658, MeSH D024741, MONDO:0024573. Inheritance: Various modes of inheritance.
Hypertrophic cardiomyopathy. Also called: HYPERTROPHIC MYOCARDIOPATHY. Identifiers: Orphanet 217569, MedGen C0007194, MeSH D002312, MONDO:0005045, HP:0001639.

Allele frequency attached by ClinVar (database versions not stated): TOPMed 0.00001; gnomAD exomes below 0.00001; gnomAD 0.00001.
gnomAD v4.1: 6 of 1,614,104 alleles (0.00037%); highest among the groups gnomAD compares: Non-Finnish European, 0.00051%; no homozygotes.

Submissions 1 to 9 of 17:

ClinGen Cardiomyopathy Variant Curation Expert Panel
Classification: Pathogenic for Hypertrophic cardiomyopathy. Last evaluated: 2016-12-15. Review status: reviewed by expert panel. Criteria: ClinGen CMP ACMG Specifications v1. Collection method: curation. Allele origin: germline. Inheritance: Autosomal dominant inheritance.
Comment: The c.2722C>G (p.Leu908Val) variant in MYH7 has been reported in >20 individuals with hypertrophic cardiomyopathy (PS4; PMID:1638703; PMID:8483915 PMID:12473556; PMID:12975413; PMID:27532257; Partners LMM ClinVar SCV000059471.5; AGCMC Sydney ClinVar SCV000692499.1; SHaRe consortium, PMID: 30297972). This variant segregated with disease in >20 affected individuals (PP1_Strong; PMID:1638703; PMID:8483915; Partners LMM ClinVar SCV000059471.5). This variant was absent from large population studies (PM2). This variant lies in the head region of the protein (aa 181-937) and missense variants in this region are statistically more likely to be disease-associated (PM1; PMID:27532257). Computational prediction tools and conservation analysis suggest that this variant may impact the protein (PP3). In summary, this variant meets criteria to be classified as pathogenic for hypertrophic cardiomyopathy in an autosomal dominant manner. MYH7-specific ACMG/AMP criteria applied (PMID:29300372): PS4; PP1_ Strong; PM1; PM2; PP3

Labcorp Genetics (formerly Invitae), Labcorp
Classification: Pathogenic for Hypertrophic cardiomyopathy. Last evaluated: 2025-12-27. Review status: criteria provided, single submitter. Criteria: Invitae Variant Classification Sherloc (09022015). Collection method: clinical testing. Allele origin: germline. Not counted in ClinVar's aggregate classification.
Comment: This sequence change replaces leucine, which is neutral and non-polar, with valine, which is neutral and non-polar, at codon 908 of the MYH7 protein (p.Leu908Val). This variant is present in population databases (rs121913631, gnomAD 0.007%). This missense change has been observed in individuals with hypertrophic cardiomyopathy (PMID: 1638703, 8483915, 10725281, 12473556, 12975413, 15358028, 15858117, 18403758, 21642240; internal data). It has also been observed to segregate with disease in related individuals. ClinVar contains an entry for this variant (Variation ID: 14097). Invitae Evidence Modeling of protein sequence and biophysical properties (such as structural, functional, and spatial information, amino acid conservation, physicochemical variation, residue mobility, and thermodynamic stability) indicates that this missense variant is expected to disrupt MYH7 protein function with a positive predictive value of 95%. Experimental studies have shown that this missense change affects MYH7 function (PMID: 8483915, 9172070, 11227787, 15528230). For these reasons, this variant has been classified as Pathogenic.

Victorian Clinical Genetics Services, Murdoch Childrens Research Institute
Classification: Pathogenic for Hypertrophic cardiomyopathy 1. Last evaluated: 2025-12-23. Review status: criteria provided, single submitter. Criteria: ACMG Guidelines, 2015. Collection method: clinical testing. Allele origin: germline. Not counted in ClinVar's aggregate classification.
Comment: This variant is classified as Pathogenic. Evidence in support of pathogenic classification: Variant is present in gnomAD <0.01 (v4: 6 heterozygote(s), 0 homozygote(s)). - This variant has strong previous evidence of pathogenicity in unrelated individuals. This variant has been classified as pathogenic for HCM by the ClinGen Cardiomyopathy Variant Curation Expert Panel; Variant is located in a hotspot region or cluster of pathogenic variants. This variant is found within the head region, which is enriched with pathogenic missense variants (PMID: 29300372); Missense variant predicted to be damaging by in silico tool(s) or highly conserved with a major amino acid change. Additional information: Variant is predicted to result in a missense amino acid change from Leu to Val; This variant is heterozygous; This gene is associated with both recessive and dominant disease. Disease associated with this gene usually has autosomal dominant inheritance; however, a recessive inheritance pattern has been observed in severe cases (OMIM); The mechanism of disease for this gene is not clearly established; however, missense variants have been proposed to act in a dominant negative manner (PMID: 24714796); The condition associated with this gene has incomplete penetrance (PMID: 29300372); Inheritance information for this variant is not currently available in this individual.

Blueprint Genetics
Classification: Pathogenic for MYH7-related disorders. Last evaluated: 2024-11-25. Review status: criteria provided, single submitter. Criteria: ACMG Guidelines, 2015. Collection method: clinical testing. Allele origin: germline. Affected: yes. Observed: 5 variant alleles. Not counted in ClinVar's aggregate classification.

Mayo Clinic Laboratories, Mayo Clinic
Classification: Pathogenic. Last evaluated: 2024-08-21. Review status: criteria provided, single submitter. Criteria: ACMG Guidelines, 2015. Collection method: clinical testing. Allele origin: germline. Observed: 2 variant alleles. Not counted in ClinVar's aggregate classification.
Comment: PP1_strong, PP3, PM1, PM2, PS4_moderate

All of Us Research Program, National Institutes of Health
Classification: Pathogenic for Hypertrophic cardiomyopathy. Last evaluated: 2024-08-01. Review status: criteria provided, single submitter. Criteria: ACMG Guidelines, 2015. Collection method: clinical testing. Allele origin: germline. Inheritance: Autosomal dominant inheritance. Observed: 5 variant alleles, 5 heterozygotes. Not counted in ClinVar's aggregate classification.
Comment: This missense variant replaces leucine with valine at codon 908 in the neck and hinge domain of the MYH7 protein. Computational prediction suggests that this variant may have deleterious impact on protein structure and function (internally defined REVEL score threshold >= 0.7, PMID: 27666373). An in vitro motility assay has shown that the mutant protein exhibits enhanced mechanical performance at the single molecule level (PMID: 11227787). This variant has been reported in numerous individuals affected with hypertrophic cardiomyopathy (PMID: 15528230, 1638703, 8435239, 8483915, 10725281, 12473556, 15858117, 18403758, 24510615, 25351510, 26914223, 27247418, 27532257). This variant has been shown to segregate with hypertrophic cardiomyopathy in studies of two large families with 50-60% penetrance in adults and mild prognosis (PMID: 15528230, 1638703). This variant has been identified in 1/31398 chromosomes in the general population by the Genome Aggregation Database (gnomAD). Based on the available evidence, this variant is classified as Pathogenic.

This study involves interpretation of variants in research participants for the purpose of population health screening. Participant phenotype was not available at the time of variant classification. Additional details can be found in publication PMID: 35346344, PMCID: PMC8962531

Color Diagnostics, LLC DBA Color Health
Classification: Pathogenic for Cardiomyopathy. Last evaluated: 2024-06-12. Review status: criteria provided, single submitter. Criteria: ACMG Guidelines, 2015. Collection method: clinical testing. Allele origin: germline. Not counted in ClinVar's aggregate classification.
Comment: This missense variant replaces leucine with valine at codon 908 in the neck and hinge domain of the MYH7 protein. Computational prediction tools indicate that this variant has a deleterious impact on protein structure and function. An in vitro motility assay has shown that the mutant protein exhibits enhanced mechanical performance at the single molecule level (PMID: 11227787). This variant has been reported in numerous individuals affected with hypertrophic cardiomyopathy (PMID: 15528230, 1638703, 8435239, 8483915, 10725281, 12473556, 15858117, 18403758, 24510615, 25351510, 26914223, 27247418, 27532257, 32746448, 33673806). This variant has been shown to segregate with hypertrophic cardiomyopathy in studies of two large families with 50-60% penetrance in adults and mild prognosis (PMID: 15528230, 1638703). In a study of a large cohort of individuals affected with hypertrophic cardiomyopathy, this variant was observed in 21 individuals out of a total of 6179 affected individuals (PMID: 27532257). This variant has been identified in 1/31398 chromosomes in the general population by the Genome Aggregation Database (gnomAD). Based on the available evidence, this variant is classified as Pathogenic.

Molecular Diagnostic Laboratory for Inherited Cardiovascular Disease, Montreal Heart Institute
Classification: Pathogenic for Cardiovascular phenotype. Last evaluated: 2024-03-20. Review status: criteria provided, single submitter. Criteria: ACMG Guidelines, 2015. Collection method: clinical testing. Allele origin: germline. Affected: yes. Not counted in ClinVar's aggregate classification.
Comment: PS4, PP1_strong, PM1, PM2, PP3

CHEO Genetics Diagnostic Laboratory, Children's Hospital of Eastern Ontario
Classification: Pathogenic for Cardiomyopathy. Last evaluated: 2023-02-09. Review status: criteria provided, single submitter. Criteria: ACMG Guidelines, 2015. Collection method: clinical testing. Allele origin: germline. Not counted in ClinVar's aggregate classification.